The following is an entry in ClinVar:

NM_001079802.2(FKTN):c.774C>G (p.Phe258Leu)

Gene: FKTN (fukutin; plus strand). Cytogenetic location: 9q31.2.
Variant type: single nucleotide variant.
Coding change: c.774C>G on transcript NM_001079802.2 (MANE Select); coding-DNA position 774, C replaced by G.
Protein change: p.Phe258Leu; replaces phenylalanine 258 with leucine.
Molecular consequence: missense variant. On other transcripts: non-coding transcript variant (2).
Genome position (GRCh38, 1-based): chr9:105,607,945, C>G. VCF-style: chr9-105607945-C-G. GRCh37 (hg19) VCF-style: chr9-108370226-C-G.
Other names: c.774C>G, p.Phe258Leu (NM_001198963.2, NM_001351496.2, NM_001351498.2 and 1 more transcripts); c.705C>G, p.Phe235Leu (NM_001351497.2); c.378C>G, p.Phe126Leu (NM_001351499.2, NM_001351500.2, NM_001351501.2 and 1 more transcripts); short protein forms F126L, F258L, F235L.
Identifiers: ClinVar variation 857999 (VCV000857999.8), dbSNP rs1829205310, ClinGen allele CA374332727.

ClinVar aggregate classification (germline): Uncertain significance. Review status: criteria provided, single submitter (1 of 4 stars). 2 submissions from 2 submitters: Uncertain significance (1). 1 of the submissions does not count toward it. Last evaluated 2022-03-09.

Conditions:
Walker-Warburg congenital muscular dystrophy. Also called: Muscular dystrophy-dystroglycanopathy, type A; Walker-Warburg syndrome. Identifiers: Orphanet 899, MedGen C0265221, MONDO:0000171.

Allele frequency attached by ClinVar (database versions not stated): gnomAD exomes below 0.00001.
gnomAD v4.1: 2 of 1,610,944 alleles (0.00012%); highest among the groups gnomAD compares: Non-Finnish European, 0.00017%; no homozygotes.

Submissions (2):

Labcorp Genetics (formerly Invitae), Labcorp
Classification: Uncertain significance for Walker-Warburg congenital muscular dystrophy. Last evaluated: 2022-03-09. Review status: criteria provided, single submitter. Criteria: Invitae Variant Classification Sherloc (09022015). Collection method: clinical testing. Allele origin: germline.
Comment: This sequence change replaces phenylalanine, which is neutral and non-polar, with leucine, which is neutral and non-polar, at codon 258 of the FKTN protein (p.Phe258Leu). This variant is not present in population databases (gnomAD no frequency). This variant has not been reported in the literature in individuals affected with FKTN-related conditions. ClinVar contains an entry for this variant (Variation ID: 857999). Algorithms developed to predict the effect of missense changes on protein structure and function are either unavailable or do not agree on the potential impact of this missense change (SIFT: "Tolerated"; PolyPhen-2: "Probably Damaging"; Align-GVGD: "Class C0"). In summary, the available evidence is currently insufficient to determine the role of this variant in disease. Therefore, it has been classified as a Variant of Uncertain Significance.

Natera, Inc.
Classification: Uncertain significance for Walker-Warburg congenital muscular dystrophy. Last evaluated: 2025-03-12. Review status: no assertion criteria provided. Collection method: clinical testing. Allele origin: germline. Not counted in ClinVar's aggregate classification.